The following is an entry in ClinVar:

NM_173630.4(RTTN):c.833A>G (p.Asn278Ser)

Gene: RTTN (rotatin; minus strand). Cytogenetic location: 18q22.2.
Variant type: single nucleotide variant.
Coding change: c.833A>G on transcript NM_173630.4 (MANE Select); coding-DNA position 833, A replaced by G.
Protein change: p.Asn278Ser; replaces asparagine 278 with serine.
Molecular consequence: missense variant. On other transcripts: 5 prime UTR variant (1).
Genome position (GRCh38, 1-based): chr18:70,196,509, T>C on the plus strand (A>G on the coding strand, the complement: RTTN is on the minus strand). VCF-style: chr18-70196509-T-C. GRCh37 (hg19) VCF-style: chr18-67863745-T-C.
Other names: c.-1721A>G (NM_001318520.2); short protein forms N278S.
Identifiers: ClinVar variation 725694 (VCV000725694.38), dbSNP rs77760128, ClinGen allele CA8996353.

ClinVar aggregate classification (germline): Benign. Review status: criteria provided, multiple submitters, no conflicts (2 of 4 stars). 4 submissions from 4 submitters: Benign (4). Last evaluated 2025-11-10.

Conditions:
RTTN-related disorder. Also called: RTTN-related condition.

Allele frequency attached by ClinVar (database versions not stated): gnomAD exomes 0.00032 and 0.00106; gnomAD 0.00037 and 0.00059; TOPMed 0.00066; ExAC 0.00100; 1000 Genomes Project 30x 0.00390; 1000 Genomes Project 0.00419.
gnomAD v4.1: 550 of 1,609,652 alleles (0.034%); highest among the groups gnomAD compares: East Asian, 1.1%; 6 homozygotes.

Submissions (7):

Labcorp Genetics (formerly Invitae), Labcorp
Classification: Benign. Last evaluated: 2025-11-10. Review status: criteria provided, single submitter. Criteria: Invitae Variant Classification Sherloc (09022015). Collection method: clinical testing. Allele origin: germline.

PreventionGenetics, part of Exact Sciences
Classification: Benign for RTTN-related condition. Last evaluated: 2024-11-18. Review status: criteria provided, single submitter. Criteria: ACMG Guidelines, 2015. Collection method: clinical testing. Allele origin: germline.
Comment: This variant is classified as benign based on ACMG/AMP sequence variant interpretation guidelines (Richards et al. 2015 PMID: 25741868, with internal and published modifications).

CeGaT Center for Human Genetics Tuebingen
Classification: Benign. Last evaluated: 2023-04-01. Review status: criteria provided, single submitter. Criteria: CeGaT Center For Human Genetics Tuebingen Variant Classification Criteria Version 2. Collection method: clinical testing. Allele origin: germline. Affected: yes. Observed: 1 variant allele.
Comment: RTTN: BP4, BS1, BS2

GeneDx
Classification: Benign. Last evaluated: 2019-03-11. Review status: criteria provided, single submitter. Criteria: GeneDx Variant Classification Process June 2021. Collection method: clinical testing. Allele origin: germline. Affected: yes.

Dr. Peter K. Rogan Lab, Western University
No classification provided (evidence only). Condition: Gastric cancer. Review status: no classification provided. Collection method: in vitro. Allele origin: not applicable. Functional consequence: retained intron. Not counted in ClinVar's aggregate classification.

Dr. Peter K. Rogan Lab, Western University
No classification provided (evidence only). Condition: Gastric cancer. Review status: no classification provided. Collection method: in vitro. Allele origin: not applicable. Functional consequence: retained intron. Not counted in ClinVar's aggregate classification.

Dr. Peter K. Rogan Lab, Western University
No classification provided (evidence only). Condition: Malignant tumor of esophagus. Review status: no classification provided. Collection method: in vitro. Allele origin: not applicable. Functional consequence: retained intron. Not counted in ClinVar's aggregate classification.